The following is an entry in ClinVar:

ClinVar aggregate classification (germline): Uncertain significance. Review status: criteria provided, multiple submitters, no conflicts (2 of 4 stars). 4 submissions from 4 submitters: Uncertain significance (4). Last evaluated 2026-04-02.

Conditions:
Hereditary cancer-predisposing syndrome. Also called: Tumor predisposition; Hereditary Cancer Syndrome; Hereditary neoplastic syndrome; Neoplastic Syndromes, Hereditary. Identifiers: Orphanet 140162, MedGen C0027672, MeSH D009386, MONDO:0015356.
Hereditary breast ovarian cancer syndrome. Also called: Hereditary breast and ovarian cancer syndrome (HBOC); Breast and ovarian cancer; Hereditary breast and ovarian cancer; Hereditary breast and ovarian cancer syndrome; BRCA1- and BRCA2-Associated Hereditary Breast and Ovarian Cancer; Hereditary breast and/or ovarian cancer syndrome. Identifiers: Orphanet 145, MedGen C0677776, MeSH D061325, MONDO:0003582. Disease mechanism: loss of function.

Allele frequency attached by ClinVar (database versions not stated): TOPMed below 0.00001; gnomAD 0.00001.

Submissions (4):

Women's Health and Genetics/Laboratory Corporation of America, LabCorp
Classification: Uncertain significance. Last evaluated: 2026-04-02. Review status: criteria provided, single submitter. Criteria: LabCorp Variant Classification Summary - May 2015. Collection method: clinical testing. Allele origin: germline.

Labcorp Genetics (formerly Invitae), Labcorp
Classification: Uncertain significance for Hereditary breast ovarian cancer syndrome. Last evaluated: 2025-11-23. Review status: criteria provided, single submitter. Criteria: Invitae Variant Classification Sherloc (09022015). Collection method: clinical testing. Allele origin: germline.
Comment: This sequence change replaces serine, which is neutral and polar, with cysteine, which is neutral and slightly polar, at codon 2836 of the BRCA2 protein (p.Ser2836Cys). This variant is not present in population databases (gnomAD no frequency). This variant has not been reported in the literature in individuals affected with BRCA2-related conditions. ClinVar contains an entry for this variant (Variation ID: 489790). Invitae Evidence Modeling of protein sequence and biophysical properties (such as structural, functional, and spatial information, amino acid conservation, physicochemical variation, residue mobility, and thermodynamic stability) indicates that this missense variant is not expected to disrupt BRCA2 protein function with a negative predictive value of 95%. In summary, the available evidence is currently insufficient to determine the role of this variant in disease. Therefore, it has been classified as a Variant of Uncertain Significance.

Ambry Genetics
Classification: Uncertain significance for Hereditary cancer-predisposing syndrome. Last evaluated: 2024-06-20. Review status: criteria provided, single submitter. Criteria: Ambry Variant Classification Scheme 2023. Collection method: clinical testing. Allele origin: germline.
Comment: The p.S2836C variant (also known as c.8507C>G), located in coding exon 19 of the BRCA2 gene, results from a C to G substitution at nucleotide position 8507. The serine at codon 2836 is replaced by cysteine, an amino acid with dissimilar properties. This amino acid position is not well conserved in available vertebrate species. In addition, the in silico prediction for this alteration is inconclusive. Based on the available evidence, the clinical significance of this variant remains unclear.

Color Diagnostics, LLC DBA Color Health
Classification: Uncertain significance for Hereditary cancer-predisposing syndrome. Last evaluated: 2020-01-21. Review status: criteria provided, single submitter. Criteria: ACMG Guidelines, 2015. Collection method: clinical testing. Allele origin: germline.
Comment: This missense variant replaces serine with cysteine at codon 2836 of the BRCA2 protein. Computational prediction suggests that this variant may not impact protein structure and function (internally defined REVEL score threshold <= 0.5, PMID: 27666373). Splice site prediction tools suggest that this variant may not impact RNA splicing. To our knowledge, functional studies have not been performed for this variant. This variant has not been reported in individuals affected with hereditary cancer in the literature. This variant has not been identified in the general population by the Genome Aggregation Database (gnomAD). The available evidence is insufficient to determine the role of this variant in disease conclusively. Therefore, this variant is classified as a Variant of Uncertain Significance.

NM_000059.4(BRCA2):c.8507C>G (p.Ser2836Cys)

Gene: BRCA2 (BRCA2 DNA repair associated; plus strand). Cytogenetic location: 13q13.1.
Variant type: single nucleotide variant.
Coding change: c.8507C>G on transcript NM_000059.4 (MANE Select); coding-DNA position 8507, C replaced by G.
Protein change: p.Ser2836Cys; replaces serine 2836 with cysteine.
Molecular consequence: missense variant.
Genome position (GRCh38, 1-based): chr13:32,370,975, C>G. VCF-style: chr13-32370975-C-G. GRCh37 (hg19) VCF-style: chr13-32945112-C-G.
Other names: short protein forms S2836C.
Identifiers: ClinVar variation 489790 (VCV000489790.22), dbSNP rs863224599, ClinGen allele CA387752695.
Genomic context (GRCh38, chr13:32,370,975, plus strand): 5'-ATATATGTGACTTTTTTGGTGTGTGTAACACATTATTACAGTGGATGGAGAAGACATCAT[C>G]TGGATTATACATATTTCGCAATGAAAGAGAGGAAGAAAAGGAAGCAGCAAAATATGTGGA-3'
Protein context (NP_000050.3, residues 2826-2846): YPIQWMEKTS[Ser2836Cys]GLYIFRNERE